The following is an entry in ClinVar:

NM_000551.4(VHL):c.38_52del (p.Val13_Glu17del)

Gene: VHL (von Hippel-Lindau tumor suppressor; plus strand). Cytogenetic location: 3p25.3.
Variant type: Deletion.
Coding change: c.38_52del on transcript NM_000551.4 (MANE Select); coding-DNA positions 38 to 52, 15 bases deleted (TAGGCGCGGAGGAGG).
Protein change: p.Val13_Glu17del.
Molecular consequence: inframe deletion.
Genome position (GRCh38, 1-based): chr3:10,141,885-10,141,899, TAGGCGCGGAGGAGG deleted; deleting any 15 consecutive bases within chr3:10,141,881-10,141,899 gives the same sequence; the c. name uses the placement nearest the transcript's 3' end. VCF-style (leftmost placement, unchanged base first): chr3-10141880-CGAGGTAGGCGCGGAG-C. GRCh37 (hg19) VCF-style: chr3-10183564-CGAGGTAGGCGCGGAG-C.
Other names: c.38_52del, p.Val13_Glu17del (NM_001354723.2, NM_198156.3).
Identifiers: ClinVar variation 1052912 (VCV001052912.9), dbSNP rs2125124488, ClinGen allele CA2499216348.

ClinVar aggregate classification (germline): Uncertain significance (1 of 4 stars; one submission).

Conditions:
Chuvash polycythemia. Also called: POLYCYTHEMIA, VHL-DEPENDENT. Identifiers: Orphanet 238557, MedGen C1837915, MONDO:0009892, OMIM 263400.
Von Hippel-Lindau syndrome (VHLS). Also called: Von Hippel-Lindau; von Hippel–Lindau syndrome; VHL syndrome. Identifiers: Orphanet 892, MedGen C0019562, MONDO:0008667, OMIM 193300. Disease mechanism: loss of function.

Submission:

Labcorp Genetics (formerly Invitae), Labcorp
Classification: Uncertain significance for Von Hippel-Lindau syndrome; Chuvash polycythemia. Last evaluated: 2020-06-30. Review status: criteria provided, single submitter. Criteria: Invitae Variant Classification Sherloc (09022015). Collection method: clinical testing. Allele origin: germline.
Comment: In summary, the available evidence is currently insufficient to determine the role of this variant in disease. Therefore, it has been classified as a Variant of Uncertain Significance. Experimental studies and prediction algorithms are not available or were not evaluated, and the functional significance of this variant is currently unknown. This variant has not been reported in the literature in individuals with VHL-related conditions. The frequency data for this variant in the population databases is considered unreliable, as metrics indicate insufficient coverage at this position in the ExAC database. This variant, c.38_52del, results in the deletion of 5 amino acid(s) of the VHL protein (p.Val13_Glu17del), but otherwise preserves the integrity of the reading frame.